The following is an entry in ClinVar:

NM_001276345.2(TNNT2):c.52G>T (p.Glu18Ter)

Gene: TNNT2 (troponin T2, cardiac type; minus strand). Cytogenetic location: 1q32.1.
Variant type: single nucleotide variant.
Coding change: c.52G>T on transcript NM_001276345.2 (MANE Select); coding-DNA position 52, G replaced by T.
Protein change: p.Glu18Ter; replaces glutamic acid 18 with a stop codon.
Molecular consequence: nonsense.
Genome position (GRCh38, 1-based): chr1:201,372,145, C>A on the plus strand (G>T on the coding strand, the complement: TNNT2 is on the minus strand). VCF-style: chr1-201372145-C-A. GRCh37 (hg19) VCF-style: chr1-201341273-C-A.
Other names: c.52G>T, p.Glu18Ter (NM_000364.4, NM_001001430.3, NM_001001431.3 and 9 more transcripts); short protein forms E18*.
Identifiers: ClinVar variation 2944218 (VCV002944218.3), dbSNP rs1660717867, ClinGen allele CA344208336.

ClinVar aggregate classification (germline): Uncertain significance (1 of 4 stars; one submission).

Conditions:
Dilated cardiomyopathy 1D. Identifiers: Orphanet 154, Orphanet 54260, MedGen C1832243, MONDO:0011095, OMIM 601494.
Cardiomyopathy, familial restrictive, 3. Identifiers: Orphanet 75249, MedGen C2676271, MONDO:0012900, OMIM 612422.
Hypertrophic cardiomyopathy 2. Also called: TNNT2-Related Familial Hypertrophic Cardiomyopathy. Identifiers: MedGen C1861864, MONDO:0007266, OMIM 115195.

Allele frequency attached by ClinVar (database versions not stated): TOPMed below 0.00001.

Submission:

Labcorp Genetics (formerly Invitae), Labcorp
Classification: Uncertain significance for Cardiomyopathy, familial restrictive, 3; Hypertrophic cardiomyopathy 2; Dilated cardiomyopathy 1D. Last evaluated: 2023-02-13. Review status: criteria provided, single submitter. Criteria: Invitae Variant Classification Sherloc (09022015). Collection method: clinical testing. Allele origin: germline.
Comment: In summary, the available evidence is currently insufficient to determine the role of this variant in disease. Therefore, it has been classified as a Variant of Uncertain Significance. Algorithms developed to predict the effect of sequence changes on RNA splicing suggest that this variant may disrupt the consensus splice site. This variant has not been reported in the literature in individuals affected with TNNT2-related conditions. This variant is not present in population databases (gnomAD no frequency). This sequence change creates a premature translational stop signal (p.Glu18*) in the TNNT2 gene. It is expected to result in an absent or disrupted protein product. However, the current clinical and genetic evidence is not sufficient to establish whether loss-of-function variants in TNNT2 cause disease.